The following is an entry in ClinVar:

ClinVar aggregate classification (germline): Likely pathogenic (1 of 4 stars; one submission).

Conditions:
Early-infantile DEE. Also called: Early infantile epileptic encephalopathy with suppression bursts; Early infantile epileptic encephalopathy; Ohtahara syndrome. Identifiers: Orphanet 1934, MedGen C0393706, MONDO:0800491.

Submission:

Labcorp Genetics (formerly Invitae), Labcorp
Classification: Likely pathogenic for Early-infantile DEE. Last evaluated: 2022-08-13. Review status: criteria provided, single submitter. Criteria: Invitae Variant Classification Sherloc (09022015). Collection method: clinical testing. Allele origin: germline.
Comment: This missense change has been observed in individual(s) with clinical features of SCN1A-related conditions (PMID: 23195492; Invitae). In summary, the currently available evidence indicates that the variant is pathogenic, but additional data are needed to prove that conclusively. Therefore, this variant has been classified as Likely Pathogenic. Algorithms developed to predict the effect of sequence changes on RNA splicing suggest that this variant may disrupt the consensus splice site. Advanced modeling of protein sequence and biophysical properties (such as structural, functional, and spatial information, amino acid conservation, physicochemical variation, residue mobility, and thermodynamic stability) performed at Invitae indicates that this missense variant is expected to disrupt SCN1A protein function. This variant is not present in population databases (gnomAD no frequency). This sequence change replaces methionine, which is neutral and non-polar, with arginine, which is basic and polar, at codon 1555 of the SCN1A protein (p.Met1555Arg).

Literature cited by the submitters: PubMed 23195492.

NM_001165963.4(SCN1A):c.4664T>G (p.Met1555Arg)

Genes: SCN1A (sodium voltage-gated channel alpha subunit 1; minus strand), LOC102724058 (uncharacterized LOC102724058; plus strand). Cytogenetic location: 2q24.3.
Variant type: single nucleotide variant.
Coding change: c.4664T>G on transcript NM_001165963.4 (MANE Select); coding-DNA position 4664, T replaced by G.
Protein change: p.Met1555Arg; replaces methionine 1555 with arginine.
Molecular consequence: missense variant. On other transcripts: non-coding transcript variant (1).
Genome position (GRCh38, 1-based): chr2:165,994,334, A>C on the plus strand (T>G on the coding strand, the complement: SCN1A is on the minus strand). VCF-style: chr2-165994334-A-C. GRCh37 (hg19) VCF-style: chr2-166850844-A-C.
Other names: c.4580T>G, p.Met1527Arg (NM_001165964.3, NM_001353957.2, NM_001353958.2); c.4664T>G, p.Met1555Arg (NM_001202435.3, NM_001353948.2); c.4631T>G, p.Met1544Arg (NM_001353949.2, NM_001353950.2, NM_001353951.2 and 2 more transcripts); c.4628T>G, p.Met1543Arg (NM_001353954.2, NM_001353955.2); c.4577T>G, p.Met1526Arg (NM_001353960.2); c.2222T>G, p.Met741Arg (NM_001353961.2); short protein forms M1526R, M1527R, M1544R, M1555R, M741R, M1543R.
Identifiers: ClinVar variation 2203176 (VCV002203176.4), dbSNP rs2468360795, ClinGen allele CA349072190.